The following is an entry in ClinVar:

NM_024301.5(FKRP):c.78G>A (p.Trp26Ter)

Gene: FKRP (fukutin related protein; plus strand). Cytogenetic location: 19q13.32.
Variant type: single nucleotide variant.
Coding change: c.78G>A on transcript NM_024301.5 (MANE Select); coding-DNA position 78, G replaced by A.
Protein change: p.Trp26Ter; replaces tryptophan 26 with a stop codon.
Molecular consequence: nonsense.
Genome position (GRCh38, 1-based): chr19:46,755,528, G>A. VCF-style: chr19-46755528-G-A. GRCh37 (hg19) VCF-style: chr19-47258785-G-A.
Other names: c.78G>A, p.Trp26Ter (NM_001039885.3); c.78G>A (NM_024301.4); short protein forms W26*.
Identifiers: ClinVar variation 3241624 (VCV003241624.2), dbSNP rs2513984718.

ClinVar aggregate classification (germline): Likely pathogenic. Review status: criteria provided, multiple submitters, no conflicts (2 of 4 stars). 2 submissions from 2 submitters: Likely pathogenic (2). Last evaluated 2025-10-09.

Conditions:
Autosomal recessive limb-girdle muscular dystrophy type 2I. Also called: MUSCULAR DYSTROPHY-DYSTROGLYCANOPATHY (LIMB-GIRDLE), TYPE C, 5; MUSCULAR DYSTROPHY, LIMB-GIRDLE, TYPE 2I; MUSCULAR DYSTROPHY-DYSTROGLYCANOPATHY, LIMB-GIRDLE, FRKP-RELATED. Identifiers: Orphanet 34515, MedGen C1846672, MONDO:0011787, OMIM 607155.
Muscular dystrophy-dystroglycanopathy (congenital with brain and eye anomalies), type A5. Also called: MUSCULAR DYSTROPHY-DYSTROGLYCANOPATHY (CONGENITAL WITH BRAIN AND EYE ANOMALIES), TYPE A, 5; WALKER-WARBURG SYNDROME OR MUSCLE-EYE-BRAIN DISEASE, FKRP-RELATED. Identifiers: Orphanet 588, Orphanet 899, MedGen C3150413, MONDO:0013157, OMIM 613153.

Submissions (2):

Natera, Inc.
Classification: Likely pathogenic for Limb-girdle muscular dystrophy type 2I. Last evaluated: 2025-10-09. Review status: criteria provided, single submitter. Criteria: Natera Variant Classification Schema (03/2026). Collection method: clinical testing. Allele origin: germline.
Comment: The c.78G>A variant in FKRP is a nonsense variant predicted to introduce a stop codon at amino acid 26. This variant is expected to result in nonsense mediated decay, truncation, or a dysfunctional protein product. This variant is rare in the general population with a frequency below the threshold expected for the associated phenotype(s). Given the available evidence, this variant is classified as Likely Pathogenic.

Baylor Genetics
Classification: Likely pathogenic for Muscular dystrophy-dystroglycanopathy (congenital with brain and eye anomalies), type A5. Last evaluated: 2024-02-27. Review status: criteria provided, single submitter. Criteria: ACMG Guidelines, 2015. Collection method: clinical testing. Allele origin: unknown.